The following is an entry in ClinVar:

NM_004360.5(CDH1):c.220del (p.Arg74fs)

Gene: CDH1 (cadherin 1; plus strand). Cytogenetic location: 16q22.1.
Variant type: Deletion.
Coding change: c.220del on transcript NM_004360.5 (MANE Select); coding-DNA position 220, one base deleted (C; older notation c.220delC).
Protein change: p.Arg74fs; shifts the reading frame from arginine 74.
Molecular consequence: frameshift variant. On other transcripts: 5 prime UTR variant (2).
Genome position (GRCh38, 1-based): chr16:68,801,726, C deleted; the last of 3 consecutive C bases (chr16:68,801,724-68,801,726); deleting any one gives the same sequence. VCF-style (leftmost placement, unchanged base first): chr16-68801723-AC-A. GRCh37 (hg19) VCF-style: chr16-68835626-AC-A.
Other names: c.220del, p.Arg74fs (NM_001317184.2); c.-1396del (NM_001317185.2); c.-1600del (NM_001317186.2); short protein forms R74fs.
Identifiers: ClinVar variation 2453332 (VCV002453332.2), dbSNP rs2543904816, ClinGen allele CA2580091891.
Genomic context (GRCh38, chr16:68,801,723, plus strand): 5'-CCTGCAGTGAATTTTGAAGATTGCACCGGTCGACAAAGGACAGCCTATTTTTCCCTCGAC[AC>A]CCGATTCAAAGTGGGCACAGATGGTGTGATTACAGTCAAAAGGCCTCTACGGTTTCATAA-3'

ClinVar aggregate classification (germline): Pathogenic (1 of 4 stars; one submission).

Conditions:
Hereditary cancer-predisposing syndrome. Also called: Neoplastic Syndromes, Hereditary; Tumor predisposition; Hereditary neoplastic syndrome; Hereditary Cancer Syndrome. Identifiers: Orphanet 140162, MedGen C0027672, MeSH D009386, MONDO:0015356.

Submission:

Ambry Genetics
Classification: Pathogenic for Hereditary cancer-predisposing syndrome. Last evaluated: 2023-02-07. Review status: criteria provided, single submitter. Criteria: Ambry Variant Classification Scheme 2023. Collection method: clinical testing. Allele origin: germline.
Comment: The c.220delC pathogenic mutation, located in coding exon 3 of the CDH1 gene, results from a deletion of one nucleotide at nucleotide position 220, causing a translational frameshift with a predicted alternate stop codon (p.R74Dfs*9). This alteration has been observed in at least one individual with a personal and/or family history that is consistent with Hereditary Diffuse Gastric Cancer (HDGC) (Ambry internal data). This alteration is expected to result in loss of function by premature protein truncation or nonsense-mediated mRNA decay. This variant is considered to be rare based on population cohorts in the Genome Aggregation Database (gnomAD). As such, this alteration is interpreted as a disease-causing mutation.